The following is an entry in ClinVar:

ClinVar aggregate classification (germline): Uncertain significance (1 of 4 stars; one submission).

Conditions:
Hereditary cancer-predisposing syndrome. Also called: Neoplastic Syndromes, Hereditary; Hereditary Cancer Syndrome; Tumor predisposition; Hereditary neoplastic syndrome. Identifiers: Orphanet 140162, MedGen C0027672, MeSH D009386, MONDO:0015356.

Submission:

Ambry Genetics
Classification: Uncertain significance for Hereditary cancer-predisposing syndrome. Last evaluated: 2025-01-08. Review status: criteria provided, single submitter. Criteria: Ambry Variant Classification Scheme 2023. Collection method: clinical testing. Allele origin: germline.
Comment: The p.L165P variant (also known as c.494T>C), located in coding exon 5 of the TSC2 gene, results from a T to C substitution at nucleotide position 494. The leucine at codon 165 is replaced by proline, an amino acid with similar properties. This amino acid position is conserved. In addition, this alteration is predicted to be deleterious by in silico analysis. Based on the available evidence, the clinical significance of this variant remains unclear.

NM_000548.5(TSC2):c.494T>C (p.Leu165Pro)

Gene: TSC2 (TSC complex subunit 2; plus strand). Cytogenetic location: 16p13.3.
Variant type: single nucleotide variant.
Coding change: c.494T>C on transcript NM_000548.5 (MANE Select); coding-DNA position 494, T replaced by C.
Protein change: p.Leu165Pro; replaces leucine 165 with proline.
Molecular consequence: missense variant. On other transcripts: 5 prime UTR variant (13), non-coding transcript variant (5), intron variant (7).
Genome position (GRCh38, 1-based): chr16:2,055,414, T>C. VCF-style: chr16-2055414-T-C. GRCh37 (hg19) VCF-style: chr16-2105415-T-C.
Other names: c.494T>C, p.Leu165Pro (NM_001077183.3, NM_001114382.3, NM_001363528.2 and 8 more transcripts); c.383T>C, p.Leu128Pro (NM_001318827.2, NM_001406670.1, NM_001406678.1); c.347T>C, p.Leu116Pro (NM_001318829.2, NM_001406675.1, NM_001406676.1 and 1 more transcripts); c.527T>C, p.Leu176Pro (NM_001318832.2); c.584T>C, p.Leu195Pro (NM_001406667.1, NM_001406668.1); c.437T>C, p.Leu146Pro (NM_001406677.1); c.-323T>C (NM_001406680.1, NM_001406683.1, NM_001406687.1); c.-938T>C (NM_001406689.1, NM_001406690.1, NM_001406691.1 and 2 more transcripts); and 6 more; short protein forms L128P, L165P, L176P, L146P, L116P, L195P.
Identifiers: ClinVar variation 3811332 (VCV003811332.1).